The following is an entry in ClinVar:

ClinVar aggregate classification (germline): Uncertain significance (1 of 4 stars; one submission).

Conditions:
Periodic fever-infantile enterocolitis-autoinflammatory syndrome. Also called: Autoinflammation with infantile enterocolitis. Identifiers: Orphanet 436166, MedGen C4015067, MONDO:0014472, OMIM 616050.
Familial cold autoinflammatory syndrome 4 (FCAS4). Identifiers: Orphanet 47045, Orphanet 576349, MedGen C4015276, MONDO:0014498, OMIM 616115.

Submission:

Labcorp Genetics (formerly Invitae), Labcorp
Classification: Uncertain significance for Periodic fever-infantile enterocolitis-autoinflammatory syndrome; Familial cold autoinflammatory syndrome 4. Last evaluated: 2020-03-08. Review status: criteria provided, single submitter. Criteria: Invitae Variant Classification Sherloc (09022015). Collection method: clinical testing. Allele origin: germline.
Comment: This variant has not been reported in the literature in individuals with NLRC4-related conditions. In summary, the available evidence is currently insufficient to determine the role of this variant in disease. Therefore, it has been classified as a Variant of Uncertain Significance. Algorithms developed to predict the effect of missense changes on protein structure and function output the following: SIFT: "Tolerated"; PolyPhen-2: "Benign"; Align-GVGD: "Class C0". The lysine amino acid residue is found in multiple mammalian species, suggesting that this missense change does not adversely affect protein function. These predictions have not been confirmed by published functional studies and their clinical significance is uncertain. This variant is not present in population databases (ExAC no frequency). This sequence change replaces arginine with lysine at codon 285 of the NLRC4 protein (p.Arg285Lys). The arginine residue is highly conserved and there is a small physicochemical difference between arginine and lysine.

NM_001199138.2(NLRC4):c.854G>A (p.Arg285Lys)

Gene: NLRC4 (NLR family CARD domain containing 4; minus strand). Cytogenetic location: 2p22.3.
Variant type: single nucleotide variant.
Coding change: c.854G>A on transcript NM_001199138.2 (MANE Select); coding-DNA position 854, G replaced by A.
Protein change: p.Arg285Lys; replaces arginine 285 with lysine.
Molecular consequence: missense variant. On other transcripts: intron variant (1).
Genome position (GRCh38, 1-based): chr2:32,251,010, C>T on the plus strand (G>A on the coding strand, the complement: NLRC4 is on the minus strand). VCF-style: chr2-32251010-C-T. GRCh37 (hg19) VCF-style: chr2-32476079-C-T.
Other names: c.854G>A, p.Arg285Lys (NM_001199139.2, NM_021209.5); c.262+1409G>A (NM_001302504.1); short protein forms R285K.
Identifiers: ClinVar variation 954765 (VCV000954765.9), dbSNP rs1687062402, ClinGen allele CA346514111.